The following is an entry in ClinVar:

ClinVar aggregate classification (germline): Pathogenic/Likely pathogenic. Review status: criteria provided, multiple submitters, no conflicts (2 of 4 stars). 2 submissions from 2 submitters: Pathogenic (1); Likely pathogenic (1). Last evaluated 2023-10-10.

Conditions:
Developmental and epileptic encephalopathy, 42 (DEE42A). Also called: Epileptic encephalopathy, early infantile, 42; DEVELOPMENTAL AND EPILEPTIC ENCEPHALOPATHY 42A; EPILEPTIC ENCEPHALOPATHY, EARLY INFANTILE, 42A. Identifiers: MedGen C4310716, MONDO:0014917, OMIM 617106.
Spinocerebellar ataxia type 6 (SCA6). Identifiers: Orphanet 98758, MedGen C0752124, MONDO:0008457, OMIM 183086.
Episodic ataxia type 2 (EA2). Also called: ATAXIA, EPISODIC, WITH NYSTAGMUS; ATAXIA, FAMILIAL PAROXYSMAL; CEREBELLAR ATAXIA, PAROXYSMAL, ACETAZOLAMIDE-RESPONSIVE; CEREBELLOPATHY, HEREDITARY PAROXYSMAL; ACETAZOLAMIDE-RESPONSIVE HEREDITARY PAROXYSMAL CEREBELLAR ATAXIA; EPISODIC ATAXIA, NYSTAGMUS-ASSOCIATED. Identifiers: Orphanet 97, MedGen C1720416, MONDO:0007163, OMIM 108500.
Migraine, familial hemiplegic, 1. Also called: MIGRAINE, FAMILIAL HEMIPLEGIC 1, WITH PROGRESSIVE CEREBELLAR ATAXIA. Identifiers: Orphanet 569, MedGen C1832884, MONDO:0020756, OMIM 141500, MONDO:0007714.

Submissions (2):

GeneDx
Classification: Pathogenic. Last evaluated: 2023-10-10. Review status: criteria provided, single submitter. Criteria: GeneDx Variant Classification Process June 2021. Collection method: clinical testing. Allele origin: germline. Affected: yes.
Comment: Nonsense variant predicted to result in protein truncation or nonsense mediated decay in a gene for which loss of function is a known mechanism of disease; Not observed at significant frequency in large population cohorts (gnomAD); Has not been previously published as pathogenic or benign to our knowledge

Women's Health and Genetics/Laboratory Corporation of America, LabCorp
Classification: Likely pathogenic for Developmental and epileptic encephalopathy, 42. Last evaluated: 2022-06-09. Review status: criteria provided, single submitter. Criteria: LabCorp Variant Classification Summary - May 2015. Collection method: clinical testing. Allele origin: germline.
Comment: Variant summary: CACNA1A c.6400C>T (p.Arg2134X) results in a premature termination codon, predicted to cause a truncation of the encoded protein or absence of the protein due to nonsense mediated decay, which are commonly known mechanisms for disease. Truncations downstream of this position have been cited as pathogenic/likely pathogenic in ClinVar (e.g. p.Glu2165X, p.Arg2124LeufsX59, p.Asp2138X, p.Arg2134TrpfsX47) (Variation IDs: 451719, 520922, 995297, 1072305). Furthermore, deletions involving the exon where this variant is located (i.e. exon 45) and/or downstream exons (i.e. exons 46 and 47) have been reported in the literature in multiple individuals affected with hemiplegic migraine, episodic ataxia, and migraine with or without Aura (i.e. ex45-47del, ex46-47del and ex47del) (PMID: 30167989). The variant was absent in 152174 control chromosomes (gnomAD v3.1, Genomes dataset). To our knowledge, no occurrence of c.6400C>T in individuals affected with Epileptic Encephalopathy, Early Infantile, 42 and no experimental evidence demonstrating its impact on protein function have been reported. One clinical diagnostic laboratory has submitted clinical-significance assessments for this variant to ClinVar after 2014 and classified the variant as pathogenic. Based on the evidence outlined above, the variant was classified as likely pathogenic.

NM_001127222.2(CACNA1A):c.6397C>T (p.Arg2133Ter)

Gene: CACNA1A (calcium voltage-gated channel subunit alpha1 A; minus strand). Cytogenetic location: 19p13.13.
Variant type: single nucleotide variant.
Coding change: c.6397C>T on transcript NM_001127222.2 (MANE Select); coding-DNA position 6397, C replaced by T.
Protein change: p.Arg2133Ter; replaces arginine 2133 with a stop codon.
Molecular consequence: nonsense.
Genome position (GRCh38, 1-based): chr19:13,209,441, G>A on the plus strand (C>T on the coding strand, the complement: CACNA1A is on the minus strand). VCF-style: chr19-13209441-G-A. GRCh37 (hg19) VCF-style: chr19-13320255-G-A.
Other names: c.6415C>T, p.Arg2139Ter (NM_000068.4, NM_023035.3); c.6400C>T, p.Arg2134Ter (NM_001127221.2); c.6406C>T, p.Arg2136Ter (NM_001174080.2); short protein forms R2134*, R2136*, R2133*, R2139*.
Identifiers: ClinVar variation 453193 (VCV000453193.5), dbSNP rs1555730878, ClinGen allele CA404331011.
Genomic context (GRCh38, chr19:13,209,441, plus strand): 5'-GGTGGTGCCGCTGGTTCTCCTCGGGCGGGACCCGCTCCAGCGAGTAATCGTCCAGGCGTC[G>A]GGCCTTGGGGCCCAGCACGGAGGCTGAACGCTTCATGGGGCTGGTGTCTGAGATGGTCTG-3'